The following is an entry in ClinVar:

ClinVar aggregate classification (germline): Likely pathogenic (1 of 4 stars; one submission).

Conditions:
Generalized epilepsy with febrile seizures plus, type 9 (GEFSP9). Also called: GEFS+, TYPE 9. Identifiers: Orphanet 36387, MedGen C4015395, MONDO:0014517, OMIM 616172.

Submission:

Institute of Human Genetics, University of Leipzig Medical Center
Classification: Likely pathogenic for Generalized epilepsy with febrile seizures plus, type 9. Last evaluated: 2022-12-22. Review status: criteria provided, single submitter. Criteria: ACMG Guidelines, 2015. Collection method: clinical testing. Allele origin: unknown. Affected: yes.
Comment: _x000D_ Criteria applied: PVS1, PM2_SUP

NM_052874.5(STX1B):c.345dup (p.Lys116fs)

Gene: STX1B (syntaxin 1B; minus strand). Cytogenetic location: 16p11.2.
Variant type: Duplication.
Coding change: c.345dup on transcript NM_052874.5 (MANE Select); coding-DNA position 345, one base duplicated (C; older notation c.345dupC).
Protein change: p.Lys116fs; shifts the reading frame from lysine 116.
Molecular consequence: frameshift variant.
Genome position (GRCh38, 1-based): chr16:30,997,511, G duplicated on the plus strand (C on the coding strand, the reverse complement: STX1B is on the minus strand). VCF-style (leftmost placement, unchanged base first): chr16-30997510-T-TG. GRCh37 (hg19) VCF-style: chr16-31008831-T-TG.
Other names: short protein forms K116fs.
Identifiers: ClinVar variation 2430250 (VCV002430250.1), dbSNP rs2543960999, ClinGen allele CA2580091501.
Genomic context (GRCh38, chr16:30,997,510, plus strand): 5'-CTCCTCCCGAGCTGGGTCCCGACCCGACCCCCAATGGGCTGCCGCCTCCTACCTGGGTCT[T>TG]GCGGATGCGCAGGTCCGCGGAGGAACGGTTCAGCCCCTCCTCCTGTTCAATGCTTTGCTC-3'